The following is an entry in ClinVar:

ClinVar aggregate classification (germline): Uncertain significance (1 of 4 stars; one submission).

Conditions:
Vein of Galen aneurysmal malformation (VGAM). Also called: Aneurysm of the vein of Galen; Vein of Galen aneurysm; Ectasia or varix of the vein of Galen; Galenic arteriovenous malformation; Vein of Galen aneurysm malformation; Galen vein aneurysm. Identifiers: Orphanet 1053, MedGen C0431420, MONDO:0015196, HP:0030713.

Submission:

Clinical Genomics Laboratory, Washington University in St. Louis
Classification: Uncertain significance for Vein of Galen malformation. Last evaluated: 2025-06-06. Review status: criteria provided, single submitter. Criteria: ACMG Guidelines, 2015. Collection method: clinical testing. Allele origin: germline.
Comment: A CLDN14 c.682G>A (p.Ala228Thr) variant was identified at a heterozygous allelic fraction of 49.7%, a frequency which may be consistent with it being of germline origin. This variant, to our knowledge, has not been reported in the medical literature. The CLDN14 c.682G>A (p.Ala228Thr) variant is observed in 31/1,613,350 alleles in the general population (gnomAD v4.1.0). Computational predictors suggest that this variant does not impact CLDN14 function. Due to limited information, and based on ACMG/AMP guidelines for variant interpretation (Richards S et al., PMID: 25741868), the clinical significance of this variant is uncertain at this time.

NM_001146079.2(CLDN14):c.682G>A (p.Ala228Thr)

Genes: CLDN14 (claudin 14; minus strand), CLDN14-AS1 (CLDN14 antisense RNA 1; plus strand). Cytogenetic location: 21q22.13.
Variant type: single nucleotide variant.
Coding change: c.682G>A on transcript NM_001146079.2 (MANE Select); coding-DNA position 682, G replaced by A.
Protein change: p.Ala228Thr; replaces alanine 228 with threonine.
Molecular consequence: missense variant.
Genome position (GRCh38, 1-based): chr21:36,461,014, C>T on the plus strand (G>A on the coding strand, the complement: CLDN14 is on the minus strand). VCF-style: chr21-36461014-C-T. GRCh37 (hg19) VCF-style: chr21-37833312-C-T.
Other names: c.682G>A, p.Ala228Thr (NM_001146077.2, NM_001146078.3, NM_012130.4 and 1 more transcripts); short protein forms A228T.
Identifiers: ClinVar variation 4279806 (VCV004279806.1).